The following is an entry in ClinVar:

NM_020822.3(KCNT1):c.3178-26GCCCT[3]

Gene: KCNT1 (potassium sodium-activated channel subfamily T member 1; plus strand). Cytogenetic location: 9q34.3.
Variant type: Microsatellite.
Coding change: c.3178-26GCCCT[3] on transcript NM_020822.3 (MANE Select); three copies in a row of the 5-base unit GCCCT starting at c.3178-26.
Molecular consequence: intron variant.
Genome position: GRCh38 VCF-style: chr9-135786170-CGCCCT-C. GRCh37 (hg19) VCF-style: chr9-138678016-CGCCCT-C.
Other names: c.3043-26GCCCT[3] (NM_001272003.2); c.3178-7_3178-3delTGCCC (NM_020822.2).
Identifiers: ClinVar variation 196184 (VCV000196184.21), dbSNP rs757968008, ClinGen allele CA202184.

ClinVar aggregate classification (germline): Benign. Review status: criteria provided, multiple submitters, no conflicts (2 of 4 stars). 9 submissions from 8 submitters: Benign (7). 2 of the submissions do not count toward it. Last evaluated 2025-12-13.

Conditions:
Developmental and epileptic encephalopathy, 14 (DEE14). Also called: Early infantile epileptic encephalopathy 14. Identifiers: Orphanet 293181, MedGen C3554195, MONDO:0013989, OMIM 614959.
Autosomal dominant nocturnal frontal lobe epilepsy 5. Also called: Epilepsy, nocturnal frontal lobe, 5; CILIARY DYSKINESIA, PRIMARY, 28, WITHOUT SITUS INVERSUS; CILIARY DYSKINESIA, PRIMARY, 28, WITH SITUS INVERSUS; KCNT1-Related Epilepsy. Identifiers: Orphanet 98784, MedGen C3554306, MONDO:0014002, OMIM 615005.

Submissions (9):

Labcorp Genetics (formerly Invitae), Labcorp
Classification: Benign for Autosomal dominant nocturnal frontal lobe epilepsy 5; Developmental and epileptic encephalopathy, 14. Last evaluated: 2025-12-13. Review status: criteria provided, single submitter. Criteria: Invitae Variant Classification Sherloc (09022015). Collection method: clinical testing. Allele origin: germline.

Unidad de Genómica Garrahan, Hospital de Pediatría Garrahan
Classification: Benign. Last evaluated: 2024-07-15. Review status: criteria provided, single submitter. Criteria: ACMG Guidelines, 2015. Collection method: clinical testing. Allele origin: germline. Affected: no. Observed: 39 variant alleles.
Comment: This variant is classified as Benign based on local population frequency. This variant was detected in 42% of patients studied in a panel designed for Epileptic and Developmental Encephalopathy and Progressive Myoclonus Epilepsy. Number of patients: 39. Only high quality variants are reported.

Genome-Nilou Lab
Classification: Benign for Developmental and epileptic encephalopathy, 14. Last evaluated: 2022-03-15. Review status: criteria provided, single submitter. Criteria: ACMG Guidelines, 2015. Collection method: clinical testing. Allele origin: germline. Affected: no.

Genome-Nilou Lab
Classification: Benign for Autosomal dominant nocturnal frontal lobe epilepsy 5. Last evaluated: 2022-03-15. Review status: criteria provided, single submitter. Criteria: ACMG Guidelines, 2015. Collection method: clinical testing. Allele origin: germline. Affected: no.

Eurofins Ntd Llc (ga)
Classification: Benign. Last evaluated: 2016-03-31. Review status: criteria provided, single submitter. Criteria: EGL Classification Definitions 2015. Collection method: clinical testing. Allele origin: germline. Observed: 88 variant alleles, 77 heterozygotes, 11 homozygotes.

GeneDx
Classification: Benign. Last evaluated: 2016-01-04. Review status: criteria provided, single submitter. Criteria: GeneDx Variant Classification Process June 2021. Collection method: clinical testing. Allele origin: germline. Affected: yes.

PreventionGenetics, part of Exact Sciences
Classification: Benign. Review status: criteria provided, single submitter. Criteria: ACMG Guidelines, 2015. Collection method: clinical testing. Allele origin: germline.

Diagnostic Laboratory, Department of Genetics, University Medical Center Groningen
Classification: Benign. Review status: no assertion criteria provided. Collection method: clinical testing. Allele origin: germline. Affected: yes. Study: VKGL Data-share Consensus. Not counted in ClinVar's aggregate classification.

Genome Diagnostics Laboratory, University Medical Center Utrecht
Classification: Benign. Review status: no assertion criteria provided. Collection method: clinical testing. Allele origin: germline. Affected: yes. Study: VKGL Data-share Consensus. Not counted in ClinVar's aggregate classification.